The following is an entry in ClinVar:

ClinVar aggregate classification (germline): Uncertain significance (1 of 4 stars; one submission).

Conditions:
Inborn genetic diseases. Identifiers: MedGen C0950123, MeSH D030342.

Allele frequency attached by ClinVar (database versions not stated): gnomAD exomes below 0.00001; gnomAD 0.00001; TOPMed 0.00003.
gnomAD v4.1: 3 of 1,614,012 alleles (0.00019%); highest among the groups gnomAD compares: Admixed American, 0.005%; no homozygotes.

Submission:

Ambry Genetics
Classification: Uncertain significance for Inborn genetic diseases. Last evaluated: 2023-11-30. Review status: criteria provided, single submitter. Criteria: Ambry Variant Classification Scheme 2023. Collection method: clinical testing. Allele origin: germline.
Comment: The c.593A>G (p.Q198R) alteration is located in exon 4 (coding exon 2) of the QRICH1 gene. This alteration results from an A to G substitution at nucleotide position 593, causing the glutamine (Q) at amino acid position 198 to be replaced by an arginine (R). This variant was not reported in population-based cohorts in the Genome Aggregation Database (gnomAD). This amino acid position is well conserved in available vertebrate species. The in silico prediction for this alteration is inconclusive. Based on insufficient or conflicting evidence, the clinical significance of this alteration remains unclear.

NM_198880.3(QRICH1):c.593A>G (p.Gln198Arg)

Gene: QRICH1 (glutamine rich 1; minus strand). Cytogenetic location: 3p21.31.
Variant type: single nucleotide variant.
Coding change: c.593A>G on transcript NM_198880.3 (MANE Select); coding-DNA position 593, A replaced by G.
Protein change: p.Gln198Arg; replaces glutamine 198 with arginine.
Molecular consequence: missense variant.
Genome position (GRCh38, 1-based): chr3:49,057,607, T>C on the plus strand (A>G on the coding strand, the complement: QRICH1 is on the minus strand). VCF-style: chr3-49057607-T-C. GRCh37 (hg19) VCF-style: chr3-49095040-T-C.
Other names: c.593A>G, p.Gln198Arg (NM_001320580.2, NM_001320581.2, NM_001320582.2 and 4 more transcripts); short protein forms Q198R.
Identifiers: ClinVar variation 3150339 (VCV003150339.1), dbSNP rs934007761, ClinGen allele CA74004205.